The following is an entry in ClinVar:

ClinVar aggregate classification (germline): Uncertain significance (1 of 4 stars; one submission).

Conditions:
GRIA2-related disorder. Also called: GRIA2-related condition.

Submission:

PreventionGenetics, part of Exact Sciences
Classification: Uncertain significance for GRIA2-related condition. Last evaluated: 2025-02-05. Review status: criteria provided, single submitter. Criteria: ACMG Guidelines, 2015. Collection method: clinical testing. Allele origin: germline.
Comment: The GRIA2 c.340C>T variant is predicted to result in the amino acid substitution p.Pro114Ser. To our knowledge, this variant has not been reported in the literature or in a large population database, indicating this variant is rare. At this time, the clinical significance of this variant is uncertain due to the absence of conclusive functional and genetic evidence.

NM_001083619.3(GRIA2):c.340C>T (p.Pro114Ser)

Gene: GRIA2 (glutamate ionotropic receptor AMPA type subunit 2; plus strand). Cytogenetic location: 4q32.1.
Variant type: single nucleotide variant.
Coding change: c.340C>T on transcript NM_001083619.3 (MANE Select); coding-DNA position 340, C replaced by T.
Protein change: p.Pro114Ser; replaces proline 114 with serine.
Molecular consequence: missense variant.
Genome position (GRCh38, 1-based): chr4:157,303,662, C>T. VCF-style: chr4-157303662-C-T. GRCh37 (hg19) VCF-style: chr4-158224814-C-T.
Other names: c.340C>T, p.Pro114Ser (NM_000826.6); c.199C>T, p.Pro67Ser (NM_001083620.3, NM_001379000.3, NM_001379001.3); short protein forms P114S, P67S.
Identifiers: ClinVar variation 2633622 (VCV002633622.2), dbSNP rs2530620663, ClinGen allele CA358649449.